The following is an entry in ClinVar:

ClinVar aggregate classification (germline): Uncertain significance (1 of 4 stars; one submission).

Conditions:
Arrhythmogenic right ventricular dysplasia 12. Also called: ARRHYTHMOGENIC RIGHT VENTRICULAR DYSPLASIA, FAMILIAL, 12. Identifiers: MedGen C1969081, MONDO:0012684, OMIM 611528.
Naxos disease (NXD). Also called: MAL DE NAXOS; PALMOPLANTAR KERATODERMA WITH ARRHYTHMOGENIC RIGHT VENTRICULAR CARDIOMYOPATHY AND WOOLLY HAIR; WOOLLY HAIR, PALMOPLANTAR KERATODERMA, AND CARDIAC ABNORMALITIES; CARDIOMYOPATHY, ARRHYTHMOGENIC RIGHT VENTRICULAR, WITH SKIN, HAIR, AND NAIL ABNORMALITIES; KERATOSIS PALMOPLANTARIS WITH ARRHYTHMOGENIC CARDIOMYOPATHY. Identifiers: Orphanet 34217, MedGen C1832600, MONDO:0011017, OMIM 601214.

Submission:

Labcorp Genetics (formerly Invitae), Labcorp
Classification: Uncertain significance for Arrhythmogenic right ventricular dysplasia 12; Naxos disease. Last evaluated: 2022-02-25. Review status: criteria provided, single submitter. Criteria: Invitae Variant Classification Sherloc (09022015). Collection method: clinical testing. Allele origin: germline.
Comment: This sequence change replaces isoleucine, which is neutral and non-polar, with leucine, which is neutral and non-polar, at codon 26 of the JUP protein (p.Ile26Leu). This variant is not present in population databases (gnomAD no frequency). This variant has not been reported in the literature in individuals affected with JUP-related conditions. Algorithms developed to predict the effect of missense changes on protein structure and function are either unavailable or do not agree on the potential impact of this missense change (SIFT: "Tolerated"; PolyPhen-2: "Possibly Damaging"; Align-GVGD: "Class C0"). In summary, the available evidence is currently insufficient to determine the role of this variant in disease. Therefore, it has been classified as a Variant of Uncertain Significance.

NM_002230.4(JUP):c.76A>C (p.Ile26Leu)

Gene: JUP (junction plakoglobin; minus strand). Cytogenetic location: 17q21.2.
Variant type: single nucleotide variant.
Coding change: c.76A>C on transcript NM_002230.4 (MANE Select); coding-DNA position 76, A replaced by C.
Protein change: p.Ile26Leu; replaces isoleucine 26 with leucine.
Molecular consequence: missense variant.
Genome position (GRCh38, 1-based): chr17:41,771,779, T>G on the plus strand (A>C on the coding strand, the complement: JUP is on the minus strand). VCF-style: chr17-41771779-T-G. GRCh37 (hg19) VCF-style: chr17-39928031-T-G.
Other names: c.76A>C, p.Ile26Leu (NM_001352773.2, NM_001352774.2, NM_001352775.2 and 3 more transcripts); short protein forms I26L.
Identifiers: ClinVar variation 2103475 (VCV002103475.4), dbSNP rs2544216640, ClinGen allele CA399507099.
Genomic context (GRCh38, chr17:41,771,779, plus strand): 5'-CCTCCTCCATGATGCCCTTGCTGCTGACGGAGGGCACGCAGGTGTTGGCGCCCGAGTGGA[T>G]ACCCGAGTCGTAGGTGTATGTCTGCTGCCACTCAGTCACCTTGATAGGCTGCTCCATCAG-3'
Protein context (NP_002221.1, residues 16-36): WQQTYTYDSG[Ile26Leu]HSGANTCVPS